The following is an entry in ClinVar:

NM_000090.4(COL3A1):c.3841C>G (p.Pro1281Ala)

Gene: COL3A1 (collagen type III alpha 1 chain; plus strand). Cytogenetic location: 2q32.2.
Variant type: single nucleotide variant.
Coding change: c.3841C>G on transcript NM_000090.4 (MANE Select); coding-DNA position 3841, C replaced by G.
Protein change: p.Pro1281Ala; replaces proline 1281 with alanine.
Molecular consequence: missense variant.
Genome position (GRCh38, 1-based): chr2:189,010,195, C>G. VCF-style: chr2-189010195-C-G. GRCh37 (hg19) VCF-style: chr2-189874921-C-G.
Other names: short protein forms P1281A.
Identifiers: ClinVar variation 966877 (VCV000966877.12), dbSNP rs759132286, ClinGen allele CA076327.

ClinVar aggregate classification (germline): Uncertain significance. Review status: criteria provided, multiple submitters, no conflicts (2 of 4 stars). 3 submissions from 3 submitters: Uncertain significance (3). Last evaluated 2026-01-19.

Conditions:
Ehlers-Danlos syndrome, type 4 (EDSVASC). Also called: Ehlers-Danlos syndrome vascular type; Ehlers Danlos syndrome, ecchymotic type; Ehlers Danlos syndrome, arterial type; Ehlers Danlos syndrome, Sack-Barabas type; Ehlers-Danlos Syndrome Type IV. Identifiers: Orphanet 286, MedGen C0268338, MONDO:0017314, OMIM 130050.

Allele frequency attached by ClinVar (database versions not stated): TOPMed below 0.00001; ExAC 0.00001; gnomAD exomes below 0.00001.

Submissions (3):

Women's Health and Genetics/Laboratory Corporation of America, LabCorp
Classification: Uncertain significance. Last evaluated: 2026-01-19. Review status: criteria provided, single submitter. Criteria: LabCorp Variant Classification Summary - May 2015. Collection method: clinical testing. Allele origin: germline.
Comment: Variant summary: COL3A1 c.3841C>G (p.Pro1281Ala) results in a non-conservative amino acid change in the encoded protein sequence. Algorithms developed to predict the effect of missense changes on protein structure and function all suggest that this variant is likely to be disruptive. The variant allele was found at a frequency of 4e-06 in 251340 control chromosomes. The available data on variant occurrences in the general population are insufficient to allow any conclusion about variant significance. To our knowledge, no occurrence of c.3841C>G in individuals affected with COL3A1-related conditions and no experimental evidence demonstrating its impact on protein function have been reported. ClinVar contains an entry for this variant (Variation ID: 966877). Based on the evidence outlined above, the variant was classified as uncertain significance.

GeneDx
Classification: Uncertain significance. Last evaluated: 2023-03-02. Review status: criteria provided, single submitter. Criteria: GeneDx Variant Classification Process June 2021. Collection method: clinical testing. Allele origin: germline. Affected: yes.
Comment: Not observed at significant frequency in large population cohorts (gnomAD); In silico analysis supports that this missense variant has a deleterious effect on protein structure/function; Has not been previously published as pathogenic or benign to our knowledge; Not located in the triple helical region, where the majority of pathogenic missense variants occur (HGMD)

Labcorp Genetics (formerly Invitae), Labcorp
Classification: Uncertain significance for Ehlers-Danlos syndrome, type 4. Last evaluated: 2019-11-14. Review status: criteria provided, single submitter. Criteria: Invitae Variant Classification Sherloc (09022015). Collection method: clinical testing. Allele origin: germline.
Comment: Algorithms developed to predict the effect of missense changes on protein structure and function are either unavailable or do not agree on the potential impact of this missense change (SIFT: "Deleterious"; PolyPhen-2: "Not Available"; Align-GVGD: "Class C0"). This variant has not been reported in the literature in individuals with COL3A1-related conditions. This variant is present in population databases (rs759132286, ExAC 0.001%). This sequence change replaces proline with alanine at codon 1281 of the COL3A1 protein (p.Pro1281Ala). The proline residue is highly conserved and there is a small physicochemical difference between proline and alanine. In summary, the available evidence is currently insufficient to determine the role of this variant in disease. Therefore, it has been classified as a Variant of Uncertain Significance.